The following is an entry in ClinVar:

ClinVar aggregate classification (germline): Benign/Likely benign. Review status: criteria provided, multiple submitters, no conflicts (2 of 4 stars). 3 submissions from 3 submitters: Benign (1); Likely benign (2). Last evaluated 2025-09-15.

Conditions:
Hereditary cancer-predisposing syndrome. Also called: Tumor predisposition; Neoplastic Syndromes, Hereditary; Hereditary neoplastic syndrome; Hereditary Cancer Syndrome. Identifiers: Orphanet 140162, MedGen C0027672, MeSH D009386, MONDO:0015356.
Familial cancer of breast. Also called: Hereditary breast cancer; BREAST CANCER, FAMILIAL; hereditary breast carcinoma. Identifiers: Orphanet 227535, MedGen C0346153, MONDO:0016419, OMIM 114480. Disease mechanism: loss of function.

Submissions (3):

Labcorp Genetics (formerly Invitae), Labcorp
Classification: Likely benign for Familial cancer of breast. Last evaluated: 2025-09-15. Review status: criteria provided, single submitter. Criteria: Invitae Variant Classification Sherloc (09022015). Collection method: clinical testing. Allele origin: germline.

Myriad Genetics, Inc.
Classification: Benign for Familial cancer of breast. Last evaluated: 2024-10-01. Review status: criteria provided, single submitter. Criteria: Myriad Autosomal Dominant, Autosomal Recessive and X-Linked Classification Criteria (2023). Collection method: clinical testing. Allele origin: unknown.
Comment: This variant is considered benign. This variant is a silent/synonymous amino acid change and it is not expected to impact splicing.

Color Diagnostics, LLC DBA Color Health
Classification: Likely benign for Hereditary cancer-predisposing syndrome. Last evaluated: 2018-03-13. Review status: criteria provided, single submitter. Criteria: ACMG Guidelines, 2015. Collection method: clinical testing. Allele origin: germline.

NM_007194.4(CHEK2):c.243G>A (p.Glu81=)

Gene: CHEK2 (checkpoint kinase 2; minus strand). Cytogenetic location: 22q12.1.
Variant type: single nucleotide variant.
Coding change: c.243G>A on transcript NM_007194.4 (MANE Select); coding-DNA position 243, G replaced by A.
Protein change: p.Glu81=; no amino-acid change (glutamic acid 81 retained).
Molecular consequence: synonymous variant.
Genome position (GRCh38, 1-based): chr22:28,734,479, C>T on the plus strand (G>A on the coding strand, the complement: CHEK2 is on the minus strand). VCF-style: chr22-28734479-C-T. GRCh37 (hg19) VCF-style: chr22-29130467-C-T.
Other names: c.243G>A, p.Glu81= (NM_001005735.3, NM_001349956.3, NM_145862.3); c.-535G>A (NM_001257387.3).
Identifiers: ClinVar variation 415919 (VCV000415919.14), dbSNP rs1060504690, ClinGen allele CA16616598.